The following is an entry in ClinVar:

NM_001042492.3(NF1):c.746dup (p.Phe250fs)

Gene: NF1 (neurofibromin 1; plus strand). Cytogenetic location: 17q11.2.
Variant type: Duplication.
Coding change: c.746dup on transcript NM_001042492.3 (MANE Select); coding-DNA position 746, one base duplicated (T; older notation c.746dupT).
Protein change: p.Phe250fs; shifts the reading frame from phenylalanine 250.
Molecular consequence: frameshift variant.
Genome position (GRCh38, 1-based): chr17:31,182,523, T duplicated. VCF-style (leftmost placement, unchanged base first): chr17-31182522-C-CT. GRCh37 (hg19) VCF-style: chr17-29509540-C-CT.
Other names: c.746dupT (NM_000267.3); c.746dup, p.Phe250Ilefs (NM_000267.4); c.746dup, p.Phe250fs (NM_001128147.3); short protein forms F250fs.
Identifiers: ClinVar variation 4028535 (VCV004028535.1).

ClinVar aggregate classification (germline): Pathogenic (1 of 4 stars; one submission).

Conditions:
Cardiovascular phenotype. Identifiers: MedGen CN230736.
Hereditary cancer-predisposing syndrome. Also called: Tumor predisposition; Hereditary neoplastic syndrome; Neoplastic Syndromes, Hereditary; Hereditary Cancer Syndrome. Identifiers: Orphanet 140162, MedGen C0027672, MeSH D009386, MONDO:0015356.

Submission:

Ambry Genetics
Classification: Pathogenic for Cardiovascular phenotype; Hereditary cancer-predisposing syndrome. Last evaluated: 2025-05-25. Review status: criteria provided, single submitter. Criteria: Ambry Variant Classification Scheme 2023. Collection method: clinical testing. Allele origin: germline.
Comment: The c.746dupT pathogenic mutation, located in coding exon 8 of the NF1 gene, results from a duplication of T at nucleotide position 746, causing a translational frameshift with a predicted alternate stop codon (p.F250Ifs*2). This variant is considered to be rare based on population cohorts in the Genome Aggregation Database (gnomAD). This alteration is expected to result in loss of function by premature protein truncation or nonsense-mediated mRNA decay. As such, this alteration is interpreted as a disease-causing mutation.